The following is an entry in ClinVar:

ClinVar aggregate classification (germline): Pathogenic. Review status: criteria provided, multiple submitters, no conflicts (2 of 4 stars). 5 submissions from 5 submitters: Pathogenic (4). 1 of the submissions does not count toward it. Last evaluated 2026-01-30.

Conditions:
CCDC114-related disorders.
ODAD1-related disorder. Also called: ODAD1-related condition.
Primary ciliary dyskinesia 20. Also called: CILIARY DYSKINESIA, PRIMARY, 20, WITH OR WITHOUT SITUS INVERSUS. Identifiers: Orphanet 244, MedGen C3540844, MONDO:0014030, OMIM 615067.
Primary ciliary dyskinesia. Also called: Ciliary dyskinesia. Identifiers: Orphanet 244, MedGen C0008780, MONDO:0016575, HP:0012265.

Allele frequency attached by ClinVar (database versions not stated): gnomAD exomes 0.00001 and 0.00002; TOPMed 0.00002; gnomAD 0.00003.
gnomAD v4.1: 20 of 1,550,450 alleles (0.0013%); highest among the groups gnomAD compares: Admixed American, 0.0039%; no homozygotes.

Submissions (5):

PreventionGenetics, part of Exact Sciences
Classification: Pathogenic for ODAD1-related condition. Last evaluated: 2026-01-30. Review status: criteria provided, single submitter. Criteria: ACMG Guidelines, 2015. Collection method: clinical testing. Allele origin: germline.
Comment: The ODAD1 c.487-2A>G variant is predicted to disrupt the AG splice acceptor site and interfere with normal splicing. This variant was reported in the compound heterozygous state in an individual with primary ciliary dyskinesia (Knowles et al. 2013. PubMed ID: 23261302). This variant is reported in 0.0041% of alleles in individuals of Latino descent in gnomAD. Variants that disrupt the consensus splice acceptor site in ODAD1 are expected to be pathogenic. This variant is interpreted as pathogenic.

Labcorp Genetics (formerly Invitae), Labcorp
Classification: Pathogenic for Primary ciliary dyskinesia. Last evaluated: 2023-06-14. Review status: criteria provided, single submitter. Criteria: Invitae Variant Classification Sherloc (09022015). Collection method: clinical testing. Allele origin: germline.
Comment: Disruption of this splice site has been observed in individual(s) with clinical features of primary ciliary dyskinesia (PMID: 23261302; Invitae). In at least one individual the data is consistent with being in trans (on the opposite chromosome) from a pathogenic variant. For these reasons, this variant has been classified as Pathogenic. Algorithms developed to predict the effect of sequence changes on RNA splicing suggest that this variant may disrupt the consensus splice site. ClinVar contains an entry for this variant (Variation ID: 39639). This variant is present in population databases (rs606231239, gnomAD 0.004%). This sequence change affects an acceptor splice site in intron 5 of the CCDC114 gene. It is expected to disrupt RNA splicing. Variants that disrupt the donor or acceptor splice site typically lead to a loss of protein function (PMID: 16199547), and loss-of-function variants in CCDC114 are known to be pathogenic (PMID: 23261302, 23261303).

Blueprint Genetics
Classification: Pathogenic for CCDC114-related disorders. Last evaluated: 2022-03-30. Review status: criteria provided, single submitter. Criteria: ACMG Guidelines, 2015. Collection method: clinical testing. Allele origin: germline. Affected: yes. Observed: 4 variant alleles.

CeGaT Center for Human Genetics Tuebingen
Classification: Pathogenic. Last evaluated: 2018-12-01. Review status: criteria provided, single submitter. Criteria: CeGaT Center For Human Genetics Tuebingen Variant Classification Criteria Version 2. Collection method: clinical testing. Allele origin: germline. Affected: yes. Observed: 1 variant allele.

OMIM
Classification: Pathogenic for CILIARY DYSKINESIA, PRIMARY, 20. Last evaluated: 2013-01-10. Review status: no assertion criteria provided. Collection method: literature only. Allele origin: germline. Not counted in ClinVar's aggregate classification.

Literature cited by the submitters: PubMed 23261302 (cited by Labcorp Genetics (formerly Invitae), Labcorp and OMIM); PubMed 16199547 (cited by Labcorp Genetics (formerly Invitae), Labcorp); PubMed 23261303 (cited by Labcorp Genetics (formerly Invitae), Labcorp).

NM_001364171.2(ODAD1):c.598-2A>G

Gene: ODAD1 (outer dynein arm docking complex subunit 1; minus strand). Cytogenetic location: 19q13.33.
Variant type: single nucleotide variant.
Coding change: c.598-2A>G on transcript NM_001364171.2 (MANE Select); the canonical splice acceptor site of the intron before coding-DNA position 598, A replaced by G.
Molecular consequence: splice acceptor variant.
Genome position (GRCh38, 1-based): chr19:48,306,325, T>C on the plus strand (A>G on the coding strand, the complement: ODAD1 is on the minus strand). VCF-style: chr19-48306325-T-C. GRCh37 (hg19) VCF-style: chr19-48809582-T-C.
Other names: IVS5AS, A-G, -2; c.487-2A>G (NM_144577.4).
Identifiers: ClinVar variation 39639 (VCV000039639.52), dbSNP rs606231239, ClinGen allele CA130417.